The following is an entry in ClinVar:

ClinVar aggregate classification (germline): Uncertain significance (1 of 4 stars; one submission).

Conditions:
Joubert syndrome 23 (JBTS23). Identifiers: Orphanet 475, MedGen C4084822, MONDO:0014664, OMIM 616490.
Short-rib thoracic dysplasia 14 with polydactyly (SRTD14). Identifiers: Orphanet 397715, MedGen C4225286, MONDO:0014688, OMIM 616546.

Allele frequency attached by ClinVar (database versions not stated): TOPMed below 0.00001.
gnomAD v4.1: 15 of 1,491,256 alleles (0.001%); highest among the groups gnomAD compares: Non-Finnish European, 0.0014%; no homozygotes.

Submission:

Labcorp Genetics (formerly Invitae), Labcorp
Classification: Uncertain significance for Joubert syndrome 23; Short-rib thoracic dysplasia 14 with polydactyly. Last evaluated: 2022-06-04. Review status: criteria provided, single submitter. Criteria: Invitae Variant Classification Sherloc (09022015). Collection method: clinical testing. Allele origin: germline.
Comment: This sequence change replaces leucine, which is neutral and non-polar, with valine, which is neutral and non-polar, at codon 1320 of the KIAA0586 protein (p.Leu1320Val). This variant is present in population databases (no rsID available, gnomAD 0.003%). This variant has not been reported in the literature in individuals affected with KIAA0586-related conditions. ClinVar contains an entry for this variant (Variation ID: 656922). Algorithms developed to predict the effect of missense changes on protein structure and function are either unavailable or do not agree on the potential impact of this missense change (SIFT: "Deleterious"; PolyPhen-2: "Possibly Damaging"; Align-GVGD: "Class C0"). In summary, the available evidence is currently insufficient to determine the role of this variant in disease. Therefore, it has been classified as a Variant of Uncertain Significance.

NM_001329943.3(KIAA0586):c.3799C>G (p.Leu1267Val)

Gene: KIAA0586 (KIAA0586; plus strand). Cytogenetic location: 14q23.1.
Variant type: single nucleotide variant.
Coding change: c.3799C>G on transcript NM_001329943.3 (MANE Select); coding-DNA position 3799, C replaced by G.
Protein change: p.Leu1267Val; replaces leucine 1267 with valine.
Molecular consequence: missense variant.
Genome position (GRCh38, 1-based): chr14:58,490,181, C>G. VCF-style: chr14-58490181-C-G. GRCh37 (hg19) VCF-style: chr14-58956899-C-G.
Other names: c.3958C>G, p.Leu1320Val (NM_001244189.2); c.3754C>G, p.Leu1252Val (NM_001244190.2); c.3544C>G, p.Leu1182Val (NM_001244191.2, NM_001329945.2, NM_001364700.1 and 1 more transcripts); c.3667C>G, p.Leu1223Val (NM_001244192.2); c.3379C>G, p.Leu1127Val (NM_001244193.2); c.3799C>G, p.Leu1267Val (NM_001329944.2, NM_001329946.2, NM_001329947.2); c.3571C>G, p.Leu1191Val (NM_014749.5); short protein forms L1127V, L1191V, L1223V, L1267V, L1182V, L1252V, L1320V.
Identifiers: ClinVar variation 656922 (VCV000656922.6), dbSNP rs1425457941, ClinGen allele CA389883362.